The following is an entry in ClinVar:

NM_001728.4(BSG):c.1138C>T (p.Arg380Cys)

Gene: BSG (basigin (Ok blood group); plus strand). Cytogenetic location: 19p13.3.
Variant type: single nucleotide variant.
Coding change: c.1138C>T on transcript NM_001728.4 (MANE Select); coding-DNA position 1138, C replaced by T.
Protein change: p.Arg380Cys; replaces arginine 380 with cysteine.
Molecular consequence: missense variant.
Genome position (GRCh38, 1-based): chr19:582,557, C>T. VCF-style: chr19-582557-C-T. GRCh37 (hg19) VCF-style: chr19-582557-C-T.
Other names: c.790C>T, p.Arg264Cys (NM_001322243.2, NM_198589.3); c.511C>T, p.Arg171Cys (NM_198590.3, NM_198591.4); short protein forms R171C, R264C, R380C.
Identifiers: ClinVar variation 2628783 (VCV002628783.1), dbSNP rs1370066521, ClinGen allele CA402862564.

ClinVar aggregate classification (germline): Uncertain significance (1 of 4 stars; one submission).

Conditions:
BSG-related disorder. Also called: BSG-related condition.

Allele frequency attached by ClinVar (database versions not stated): gnomAD 0.00001; TOPMed 0.00001.
gnomAD v4.1: 22 of 1,601,624 alleles (0.0014%); highest among the groups gnomAD compares: Non-Finnish European, 0.0017%; no homozygotes.

Submission:

PreventionGenetics, part of Exact Sciences
Classification: Uncertain significance for BSG-related condition. Last evaluated: 2023-03-10. Review status: criteria provided, single submitter. Criteria: ACMG Guidelines, 2015. Collection method: clinical testing. Allele origin: germline.
Comment: The BSG c.790C>T variant is predicted to result in the amino acid substitution p.Arg264Cys. To our knowledge, this variant has not been reported in the literature. This variant is reported in 0.0017% of alleles in individuals of European (Non-Finnish) descent in gnomAD. At this time, the clinical significance of this variant is uncertain due to the absence of conclusive functional and genetic evidence.